The following is an entry in ClinVar:

NM_001009944.3(PKD1):c.6704C>T (p.Ser2235Leu)

Gene: PKD1 (polycystin 1, transient receptor potential channel interacting; minus strand). Cytogenetic location: 16p13.3.
Variant type: single nucleotide variant.
Coding change: c.6704C>T on transcript NM_001009944.3 (MANE Select); coding-DNA position 6704, C replaced by T.
Protein change: p.Ser2235Leu; replaces serine 2235 with leucine.
Molecular consequence: missense variant.
Genome position (GRCh38, 1-based): chr16:2,108,463, G>A on the plus strand (C>T on the coding strand, the complement: PKD1 is on the minus strand). VCF-style: chr16-2108463-G-A. GRCh37 (hg19) VCF-style: chr16-2158464-G-A.
Other names: c.6704C>T, p.Ser2235Leu (NM_000296.4); short protein forms S2235L.
Identifiers: ClinVar variation 4531562 (VCV004531562.1).
Genomic context (GRCh38, chr16:2,108,463, plus strand): 5'-CGCTCGGGGGCCACCGTCACATTGGCCTGGATGCTCTGTGTCAGTGGCGTGTCCCCAAAT[G>A]ACACGACAAACACAAAGCAGTAGTGCCCCACAGGCAGCGCCAGCCGCGGCAGCACCAGCC-3'
Protein context (NP_001009944.3, residues 2225-2245): VGHYCFVFVV[Ser2235Leu]FGDTPLTQSI

ClinVar aggregate classification (germline): Uncertain significance (1 of 4 stars; one submission).

Conditions:
Polycystic kidney disease, adult type (PKD1). Also called: Polycystic Kidney, Autosomal Dominant; POLYCYSTIC KIDNEY DISEASE, ADULT, TYPE I; Polycystic Kidney Disease 1, Autosomal Dominant; Polycystic kidney disease 1; Polycystic kidney disease 1, severe; POLYCYSTIC KIDNEY DISEASE 1 WITH OR WITHOUT POLYCYSTIC LIVER DISEASE. Identifiers: MedGen C3149841, MONDO:0008263, OMIM 173900.

gnomAD v4.1: 25 of 1,610,448 alleles (0.0016%); highest among the groups gnomAD compares: East Asian, 0.056%; no homozygotes.

Submission:

Victorian Clinical Genetics Services, Murdoch Childrens Research Institute
Classification: Uncertain significance for Polycystic kidney disease, adult type. Last evaluated: 2025-06-30. Review status: criteria provided, single submitter. Criteria: ACMG Guidelines, 2015. Collection method: clinical testing. Allele origin: germline. Affected: yes.
Comment: This variant is classified as VUS-3B. Evidence in support of pathogenic classification: Variant is present in gnomAD <0.001 for a dominant condition (v4: 25 heterozygote(s), 0 homozygote(s)); This variant has limited previous evidence of pathogenicity in unrelated individual(s). This variant has been reported in the literature in individuals with ADPKD (PMIDs: 31948117, 31740684); Missense variant predicted to be damaging by in silico tool(s) or highly conserved with a major amino acid change. Additional information: Variant is predicted to result in a missense amino acid change from serine to leucine; This variant is heterozygous; This gene is associated with autosomal dominant disease. Polycystic kidney disease 1 (MIM#173900) is predominantly caused by monoallelic variants, with rare reports of biallelic variants causing disease (OMIM); No published functional evidence has been identified for this variant; No comparable missense variants have previous evidence for pathogenicity; Variant is located in the annotated REJ domain (DECIPHER); Loss of function is a known mechanism of disease in this gene and is associated with polycystic kidney disease 1 (MIM#173900); Inheritance information for this variant is not currently available in this individual.

Literature cited by the submitters: PubMed 31740684; PubMed 31948117.